The following is an entry in ClinVar:

NM_024741.3(ZNF408):c.5A>T (p.Glu2Val)

Genes: ZNF408 (zinc finger protein 408; plus strand), LOC130005659 (ATAC-STARR-seq lymphoblastoid active region 4684; plus strand). Cytogenetic location: 11p11.2.
Variant type: single nucleotide variant.
Coding change: c.5A>T on transcript NM_024741.3 (MANE Select); coding-DNA position 5, A replaced by T.
Protein change: p.Glu2Val; replaces glutamic acid 2 with valine.
Molecular consequence: missense variant. On other transcripts: 5 prime UTR variant (1).
Genome position (GRCh38, 1-based): chr11:46,701,052, A>T. VCF-style: chr11-46701052-A-T. GRCh37 (hg19) VCF-style: chr11-46722602-A-T.
Other names: c.-62A>T (NM_001184751.2); short protein forms E2V.
Identifiers: ClinVar variation 1384045 (VCV001384045.8), dbSNP rs1336848932, ClinGen allele CA380251313.
Genomic context (GRCh38, chr11:46,701,052, plus strand): 5'-GGAGGAGCTGAGAAGAGGAAGCTCACTTCCGGCGTAGGGAGGCTTTCTGACCCGGAATGG[A>T]GGAGGCGGAGGAGCTGCTCTTGGAGGGGAAGAAGGCGCTGCAACTCGGTGAGTGACCTGC-3'
Protein context (NP_079017.1, residues 1-12): M[Glu2Val]EAEELLLEGK

ClinVar aggregate classification (germline): Uncertain significance (1 of 4 stars; one submission).

Allele frequency attached by ClinVar (database versions not stated): gnomAD exomes below 0.00001; TOPMed 0.00002.
gnomAD v4.1: 2 of 1,614,060 alleles (0.00012%); highest among the groups gnomAD compares: Admixed American, 0.0033%; no homozygotes.

Submission:

Labcorp Genetics (formerly Invitae), Labcorp
Classification: Uncertain significance. Last evaluated: 2024-04-15. Review status: criteria provided, single submitter. Criteria: Invitae Variant Classification Sherloc (09022015). Collection method: clinical testing. Allele origin: germline.
Comment: This sequence change replaces glutamic acid, which is acidic and polar, with valine, which is neutral and non-polar, at codon 2 of the ZNF408 protein (p.Glu2Val). This variant is not present in population databases (gnomAD no frequency). This variant has not been reported in the literature in individuals affected with ZNF408-related conditions. ClinVar contains an entry for this variant (Variation ID: 1384045). Experimental studies and prediction algorithms are not available or were not evaluated, and the functional significance of this variant is currently unknown. In summary, the available evidence is currently insufficient to determine the role of this variant in disease. Therefore, it has been classified as a Variant of Uncertain Significance.